The following is an entry in ClinVar:

NM_020812.4(DOCK6):c.1799G>A (p.Arg600His)

Gene: DOCK6 (dedicator of cytokinesis 6; minus strand). Cytogenetic location: 19p13.2.
Variant type: single nucleotide variant.
Coding change: c.1799G>A on transcript NM_020812.4 (MANE Select); coding-DNA position 1799, G replaced by A.
Protein change: p.Arg600His; replaces arginine 600 with histidine.
Molecular consequence: missense variant.
Genome position (GRCh38, 1-based): chr19:11,238,078, C>T on the plus strand (G>A on the coding strand, the complement: DOCK6 is on the minus strand). VCF-style: chr19-11238078-C-T. GRCh37 (hg19) VCF-style: chr19-11348754-C-T.
Other names: c.1799G>A, p.Arg600His (NM_001367830.1); short protein forms R600H.
Identifiers: ClinVar variation 1922019 (VCV001922019.3), dbSNP rs376149847, ClinGen allele CA9207855.
Genomic context (GRCh38, chr19:11,238,078, plus strand): 5'-AAGTTCCTCACGTGTCCCCCTACATACTTGTTATGGTAGACCACCGGTGTGAAGGCCTCG[C>T]GGGTAAATTCACTGCAGCTGGACTTGCCAAAGATGACCTGGGAGAGTGGATTCATGAGGG-3'
Protein context (NP_065863.2, residues 590-610): FGKSSCSEFT[Arg600His]EAFTPVVYHN

ClinVar aggregate classification (germline): Uncertain significance. Review status: criteria provided, multiple submitters, no conflicts (2 of 4 stars). 2 submissions from 2 submitters: Uncertain significance (2). Last evaluated 2025-01-21.

Conditions:
Inborn genetic diseases. Identifiers: MedGen C0950123, MeSH D030342.

Allele frequency attached by ClinVar (database versions not stated): gnomAD exomes 0.00001; ExAC 0.00002; TOPMed 0.00006; gnomAD 0.00007; ESP Exome Variant Server 0.00008.
gnomAD v4.1: 36 of 1,613,778 alleles (0.0022%); highest among the groups gnomAD compares: African/African-American, 0.021%; no homozygotes.

Submissions (2):

Ambry Genetics
Classification: Uncertain significance for Inborn genetic diseases. Last evaluated: 2025-01-21. Review status: criteria provided, single submitter. Criteria: Ambry Variant Classification Scheme 2023. Collection method: clinical testing. Allele origin: germline.

Labcorp Genetics (formerly Invitae), Labcorp
Classification: Uncertain significance. Last evaluated: 2022-09-27. Review status: criteria provided, single submitter. Criteria: Invitae Variant Classification Sherloc (09022015). Collection method: clinical testing. Allele origin: germline.
Comment: This sequence change replaces arginine, which is basic and polar, with histidine, which is basic and polar, at codon 600 of the DOCK6 protein (p.Arg600His). This variant is present in population databases (rs376149847, gnomAD 0.02%). This variant has not been reported in the literature in individuals affected with DOCK6-related conditions. Advanced modeling of protein sequence and biophysical properties (such as structural, functional, and spatial information, amino acid conservation, physicochemical variation, residue mobility, and thermodynamic stability) performed at Invitae indicates that this missense variant is not expected to disrupt DOCK6 protein function. In summary, the available evidence is currently insufficient to determine the role of this variant in disease. Therefore, it has been classified as a Variant of Uncertain Significance.